The following is an entry in ClinVar:

NM_001330260.2(SCN8A):c.3133A>G (p.Ile1045Val)

Gene: SCN8A (sodium voltage-gated channel alpha subunit 8; plus strand). Cytogenetic location: 12q13.13.
Variant type: single nucleotide variant.
Coding change: c.3133A>G on transcript NM_001330260.2 (MANE Select); coding-DNA position 3133, A replaced by G.
Protein change: p.Ile1045Val; replaces isoleucine 1045 with valine.
Molecular consequence: missense variant.
Genome position (GRCh38, 1-based): chr12:51,769,096, A>G. VCF-style: chr12-51769096-A-G. GRCh37 (hg19) VCF-style: chr12-52162880-A-G.
Other names: c.3133A>G (NM_014191.3); c.3133A>G, p.Ile1045Val (NM_001177984.3, NM_001369788.1, NM_014191.4); short protein forms I1045V.
Identifiers: ClinVar variation 2200861 (VCV002200861.6), dbSNP rs1382764131, ClinGen allele CA384892620.

ClinVar aggregate classification (germline): Uncertain significance. Review status: criteria provided, multiple submitters, no conflicts (2 of 4 stars). 2 submissions from 2 submitters: Uncertain significance (2). Last evaluated 2026-07-08.

Conditions:
SCN8A-related disorder.
Early-infantile DEE. Also called: Early infantile epileptic encephalopathy; Ohtahara syndrome; Early infantile epileptic encephalopathy with suppression bursts. Identifiers: Orphanet 1934, MedGen C0393706, MONDO:0800491.

Allele frequency attached by ClinVar (database versions not stated): gnomAD exomes below 0.00001.
gnomAD v4.1: 6 of 1,613,824 alleles (0.00037%); highest among the groups gnomAD compares: Non-Finnish European, 0.00051%; no homozygotes.

Submissions (2):

PreventionGenetics, part of Exact Sciences
Classification: Uncertain significance for SCN8A-related condition. Last evaluated: 2026-07-08. Review status: criteria provided, single submitter. Criteria: ACMG Guidelines, 2015. Collection method: clinical testing. Allele origin: germline.
Comment: The SCN8A c.3133A>G variant is predicted to result in the amino acid substitution p.Ile1045Val. To our knowledge, this variant has not been reported in the literature. This variant is reported in 0.0056% of alleles in individuals of East Asian descent in gnomAD. At this time, the clinical significance of this variant is uncertain due to the absence of conclusive functional and genetic evidence.

Labcorp Genetics (formerly Invitae), Labcorp
Classification: Uncertain significance for Early-infantile DEE. Last evaluated: 2023-12-03. Review status: criteria provided, single submitter. Criteria: Invitae Variant Classification Sherloc (09022015). Collection method: clinical testing. Allele origin: germline.
Comment: This sequence change replaces isoleucine, which is neutral and non-polar, with valine, which is neutral and non-polar, at codon 1045 of the SCN8A protein (p.Ile1045Val). The frequency data for this variant in the population databases is considered unreliable, as metrics indicate poor data quality at this position in the gnomAD database. This variant has not been reported in the literature in individuals affected with SCN8A-related conditions. ClinVar contains an entry for this variant (Variation ID: 2200861). Advanced modeling of protein sequence and biophysical properties (such as structural, functional, and spatial information, amino acid conservation, physicochemical variation, residue mobility, and thermodynamic stability) performed at Invitae indicates that this missense variant is not expected to disrupt SCN8A protein function with a negative predictive value of 95%. In summary, the available evidence is currently insufficient to determine the role of this variant in disease. Therefore, it has been classified as a Variant of Uncertain Significance.